The following is an entry in ClinVar:

ClinVar aggregate classification (germline): Likely pathogenic (1 of 4 stars; one submission).

Conditions:
Cardiovascular phenotype. Identifiers: MedGen CN230736.

Submission:

Ambry Genetics
Classification: Likely pathogenic for Cardiovascular phenotype. Last evaluated: 2026-04-27. Review status: criteria provided, single submitter. Criteria: Ambry Variant Classification Scheme 2023. Collection method: clinical testing. Allele origin: germline.
Comment: The c.42444dupT variant, located in coding exon 152 of the TTN gene, results from a duplication of T at nucleotide position 42444, causing a translational frameshift with a predicted alternate stop codon (p.V14149Cfs*14). This exon is located in the A-band region of the N2-B isoform of the titin protein and is constitutively expressed in TTN transcripts (percent spliced in or PSI 100%). This variant is considered to be rare based on population cohorts in the Genome Aggregation Database (gnomAD). This variant is expected to result in loss of function by premature protein truncation or nonsense-mediated mRNA decay. While truncating variants in TTN are present in 1-3% of the general population, truncating variants in the A-band are the most common cause of dilated cardiomyopathy (Herman DS et al. N. Engl. J. Med., 2012 Feb;366:619-28; Roberts AM et al. Sci Transl Med, 2015 Jan;7:270ra6). TTN truncating variants encoded in constitutive exons (PSI >90%) have been found to be significantly associated with DCM regardless of their position in titin (Schafer S et al. Nat. Genet., 2017 01;49:46-53; Akhtar MM et al. Circ Heart Fail, 2020 Oct;13:e006832; Massier M et al. Clin Genet, 2025 Jan). Based on the majority of available evidence to date, this variant is likely to be pathogenic.

NM_001267550.2(TTN):c.69639dup (p.Val23214fs)

Genes: TTN (titin; minus strand), TTN-AS1 (TTN antisense RNA 1; plus strand), LOC126806422 (BRD4-independent group 4 enhancer GRCh37_chr2:179440205-179441404; plus strand). Cytogenetic location: 2q31.2.
Variant type: Duplication.
Coding change: c.69639dup on transcript NM_001267550.2 (MANE Select); coding-DNA position 69639, one base duplicated (T; older notation c.69639dupT).
Protein change: p.Val23214fs; shifts the reading frame from valine 23214.
Molecular consequence: frameshift variant.
Genome position (GRCh38, 1-based): chr2:178,576,605, A duplicated on the plus strand (T on the coding strand, the reverse complement: TTN is on the minus strand). VCF-style (leftmost placement, unchanged base first): chr2-178576604-C-CA. GRCh37 (hg19) VCF-style: chr2-179441331-C-CA.
Other names: c.69639dup (LRG_391t1); c.64716dup, p.Val21573fs (NM_001256850.1); c.42444dup, p.Val14149fs (NM_003319.4); c.61935dup, p.Val20646fs (NM_133378.4); c.42819dup, p.Val14274fs (NM_133432.3); c.43020dup, p.Val14341fs (NM_133437.4); c.42444dupT (NM_003319.4); short protein forms V20646fs, V14274fs, V21573fs, V23214fs, V14149fs, V14341fs.
Identifiers: ClinVar variation 4866198 (VCV004866198.1), dbSNP rs869025557.